The following is an entry in ClinVar:

ClinVar aggregate classification (germline): Uncertain significance (1 of 4 stars; one submission).

Conditions:
Sulfite oxidase deficiency due to molybdenum cofactor deficiency type C. Also called: Molybdenum cofactor deficiency, complementation group C; Molybdenum cofactor deficiency C. Identifiers: Orphanet 308400, Orphanet 833, MedGen C1854990, MONDO:0014212, OMIM 615501.

gnomAD v4.1: 2 of 1,611,080 alleles (0.00012%); highest among the groups gnomAD compares: African/African-American, 0.0027%; no homozygotes.

Submission:

Labcorp Genetics (formerly Invitae), Labcorp
Classification: Uncertain significance for Sulfite oxidase deficiency due to molybdenum cofactor deficiency type C. Last evaluated: 2024-09-10. Review status: criteria provided, single submitter. Criteria: Invitae Variant Classification Sherloc (09022015). Collection method: clinical testing. Allele origin: germline.
Comment: This sequence change replaces glycine, which is neutral and non-polar, with valine, which is neutral and non-polar, at codon 594 of the GPHN protein (p.Gly594Val). This variant is not present in population databases (gnomAD no frequency). This variant has not been reported in the literature in individuals affected with GPHN-related conditions. Invitae Evidence Modeling of protein sequence and biophysical properties (such as structural, functional, and spatial information, amino acid conservation, physicochemical variation, residue mobility, and thermodynamic stability) indicates that this missense variant is not expected to disrupt GPHN protein function with a negative predictive value of 80%. In summary, the available evidence is currently insufficient to determine the role of this variant in disease. Therefore, it has been classified as a Variant of Uncertain Significance.

NM_020806.5(GPHN):c.1781G>T (p.Gly594Val)

Gene: GPHN (gephyrin; plus strand). Cytogenetic location: 14q23.3.
Variant type: single nucleotide variant.
Coding change: c.1781G>T on transcript NM_020806.5 (MANE Select); coding-DNA position 1781, G replaced by T.
Protein change: p.Gly594Val; replaces glycine 594 with valine.
Molecular consequence: missense variant.
Genome position (GRCh38, 1-based): chr14:67,143,394, G>T. VCF-style: chr14-67143394-G-T. GRCh37 (hg19) VCF-style: chr14-67610111-G-T.
Other names: c.1682G>T, p.Gly561Val (NM_001024218.2); c.1841G>T, p.Gly614Val (NM_001377514.1); c.1811G>T, p.Gly604Val (NM_001377515.1); c.1802G>T, p.Gly601Val (NM_001377516.1); c.1754G>T, p.Gly585Val (NM_001377517.1); c.1739G>T, p.Gly580Val (NM_001377518.1); c.1721G>T, p.Gly574Val (NM_001377519.1); short protein forms G580V, G574V, G594V, G614V, G561V, G585V, G604V, G601V.
Identifiers: ClinVar variation 3672002 (VCV003672002.2).